The following is an entry in ClinVar:

ClinVar aggregate classification (germline): Uncertain significance. Review status: criteria provided, multiple submitters, no conflicts (2 of 4 stars). 2 submissions from 2 submitters: Uncertain significance (2). Last evaluated 2026-01-24.

Allele frequency attached by ClinVar (database versions not stated): TOPMed 0.00010; ESP Exome Variant Server 0.00023; gnomAD exomes 0.00001 and 0.00003; ExAC 0.00005; gnomAD 0.00007 and 0.00008.

Submissions (2):

Labcorp Genetics (formerly Invitae), Labcorp
Classification: Uncertain significance. Last evaluated: 2026-01-24. Review status: criteria provided, single submitter. Criteria: Invitae Variant Classification Sherloc (09022015). Collection method: clinical testing. Allele origin: germline.
Comment: This sequence change replaces valine, which is neutral and non-polar, with alanine, which is neutral and non-polar, at codon 520 of the KIF22 protein (p.Val520Ala). This variant is present in population databases (rs149491117, gnomAD 0.03%). This variant has not been reported in the literature in individuals affected with KIF22-related conditions. ClinVar contains an entry for this variant (Variation ID: 1386067). Invitae Evidence Modeling of protein sequence and biophysical properties (such as structural, functional, and spatial information, amino acid conservation, physicochemical variation, residue mobility, and thermodynamic stability) indicates that this missense variant is not expected to disrupt KIF22 protein function with a negative predictive value of 80%. In summary, the available evidence is currently insufficient to determine the role of this variant in disease. Therefore, it has been classified as a Variant of Uncertain Significance.

Ambry Genetics
Classification: Uncertain significance. Last evaluated: 2023-06-07. Review status: criteria provided, single submitter. Criteria: Ambry Variant Classification Scheme 2023. Collection method: clinical testing. Allele origin: germline.

NM_007317.3(KIF22):c.1559T>C (p.Val520Ala)

Gene: KIF22 (kinesin family member 22; plus strand). Cytogenetic location: 16p11.2.
Variant type: single nucleotide variant.
Coding change: c.1559T>C on transcript NM_007317.3 (MANE Select); coding-DNA position 1559, T replaced by C.
Protein change: p.Val520Ala; replaces valine 520 with alanine.
Molecular consequence: missense variant.
Genome position (GRCh38, 1-based): chr16:29,803,558, T>C. VCF-style: chr16-29803558-T-C. GRCh37 (hg19) VCF-style: chr16-29814879-T-C.
Other names: c.1355T>C, p.Val452Ala (NM_001256269.2, NM_001256270.1); c.1559T>C (NM_007317.1); short protein forms V452A, V520A.
Identifiers: ClinVar variation 1386067 (VCV001386067.7), dbSNP rs149491117, ClinGen allele CA7993328.